The following is an entry in ClinVar:

NM_000203.5(IDUA):c.1728-9C>T

Gene: IDUA (alpha-L-iduronidase; plus strand). Cytogenetic location: 4p16.3.
Variant type: single nucleotide variant.
Coding change: c.1728-9C>T on transcript NM_000203.5 (MANE Select); 9 bases into the intron before coding-DNA position 1728, C replaced by T.
Molecular consequence: intron variant.
Genome position (GRCh38, 1-based): chr4:1,004,003, C>T. VCF-style: chr4-1004003-C-T. GRCh37 (hg19) VCF-style: chr4-997791-C-T.
Other names: c.1332-9C>T (NM_001363576.1); c.1728-9C>T (NM_000203.4).
Identifiers: ClinVar variation 350232 (VCV000350232.17), dbSNP rs374775605, ClinGen allele CA2802388.

ClinVar aggregate classification (germline): Conflicting classifications of pathogenicity. Review status: criteria provided, conflicting classifications (1 of 4 stars). 4 submissions from 4 submitters: Uncertain significance (1); Likely benign (1). 2 of the submissions do not count toward it. Last evaluated 2025-10-06.

Conditions:
IDUA-related disorder. Also called: IDUA-related condition.
Mucopolysaccharidosis type 1. Also called: Mucopolysaccharidosis Type I; IDUA deficiency; MPS I. Identifiers: Orphanet 579, MedGen C0023786, MONDO:0001586.
Hurler syndrome. Also called: Severe MPS I (Hurler Syndrome); MUCOPOLYSACCHARIDOSIS TYPE IH; Gargoylism, Hurler Syndrome. Identifiers: Orphanet 93473, MedGen C0086795, MONDO:0011758, OMIM 607014.

Allele frequency attached by ClinVar (database versions not stated): gnomAD exomes 0.00003; ExAC 0.00003; gnomAD 0.00005; ESP Exome Variant Server 0.00008.

Submissions (4):

Labcorp Genetics (formerly Invitae), Labcorp
Classification: Likely benign for Mucopolysaccharidosis type 1. Last evaluated: 2025-10-06. Review status: criteria provided, single submitter. Criteria: Invitae Variant Classification Sherloc (09022015). Collection method: clinical testing. Allele origin: germline.

Illumina Laboratory Services, Illumina
Classification: Uncertain significance for Mucopolysaccharidosis type 1. Last evaluated: 2018-01-12. Review status: criteria provided, single submitter. Criteria: ICSL Variant Classification Criteria 13 December 2019. Collection method: clinical testing. Allele origin: germline.

PreventionGenetics, part of Exact Sciences
Classification: Likely benign for IDUA-related condition. Last evaluated: 2022-07-06. Review status: no assertion criteria provided. Collection method: clinical testing. Allele origin: germline. Not counted in ClinVar's aggregate classification.
Comment: This variant is classified as likely benign based on ACMG/AMP sequence variant interpretation guidelines (Richards et al. 2015 PMID: 25741868, with internal and published modifications).

Counsyl
Classification: Uncertain significance for Hurler syndrome. Last evaluated: 2017-01-05. Review status: no assertion criteria provided. Collection method: clinical testing. Allele origin: unknown. Not counted in ClinVar's aggregate classification.